The following is an entry in ClinVar:

ClinVar aggregate classification (germline): Uncertain significance. Review status: criteria provided, multiple submitters, no conflicts (2 of 4 stars). 4 submissions from 4 submitters: Uncertain significance (4). Last evaluated 2024-11-18.

Conditions:
Autosomal dominant nonsyndromic hearing loss 11. Identifiers: Orphanet 90635, MedGen C1832475, MONDO:0011032, OMIM 601317.
Autosomal recessive nonsyndromic hearing loss 2. Also called: DEAFNESS, AUTOSOMAL RECESSIVE 2; NEUROSENSORY NONSYNDROMIC RECESSIVE DEAFNESS 2. Identifiers: Orphanet 90636, MedGen C1838701, MONDO:0010807, OMIM 600060.
Usher syndrome type 1 (USH1). Also called: RETINITIS PIGMENTOSA AND CONGENITAL DEAFNESS. Identifiers: Orphanet 231169, Orphanet 886, MedGen C1568247, MONDO:0010168, OMIM 276900.

Allele frequency attached by ClinVar (database versions not stated): gnomAD 0.00002; TOPMed 0.00002.
gnomAD v4.1: 47 of 1,558,924 alleles (0.003%); highest among the groups gnomAD compares: East Asian, 0.019%; no homozygotes.

Submissions (4):

Labcorp Genetics (formerly Invitae), Labcorp
Classification: Uncertain significance. Last evaluated: 2024-11-18. Review status: criteria provided, single submitter. Criteria: Invitae Variant Classification Sherloc (09022015). Collection method: clinical testing. Allele origin: germline.
Comment: This sequence change replaces serine, which is neutral and polar, with leucine, which is neutral and non-polar, at codon 607 of the MYO7A protein (p.Ser607Leu). The frequency data for this variant in the population databases is considered unreliable, as metrics indicate poor data quality at this position in the gnomAD database. This variant has not been reported in the literature in individuals affected with MYO7A-related conditions. ClinVar contains an entry for this variant (Variation ID: 1982954). Invitae Evidence Modeling of protein sequence and biophysical properties (such as structural, functional, and spatial information, amino acid conservation, physicochemical variation, residue mobility, and thermodynamic stability) indicates that this missense variant is not expected to disrupt MYO7A protein function with a negative predictive value of 95%. In summary, the available evidence is currently insufficient to determine the role of this variant in disease. Therefore, it has been classified as a Variant of Uncertain Significance.

GeneDx
Classification: Uncertain significance. Last evaluated: 2024-04-18. Review status: criteria provided, single submitter. Criteria: GeneDx Variant Classification Process June 2021. Collection method: clinical testing. Allele origin: germline. Affected: yes.
Comment: In silico analysis supports that this missense variant has a deleterious effect on protein structure/function; Has not been previously published as pathogenic or benign to our knowledge

Blueprint Genetics
Classification: Uncertain significance. Last evaluated: 2022-02-17. Review status: criteria provided, single submitter. Criteria: ACMG Guidelines, 2015. Collection method: clinical testing. Allele origin: germline.

Department of Pathology and Laboratory Medicine, Sinai Health System
Classification: Uncertain significance for Usher syndrome type 1; Autosomal recessive nonsyndromic hearing loss 2; Autosomal dominant nonsyndromic hearing loss 11. Last evaluated: 2020-06-16. Review status: criteria provided, single submitter. Criteria: ACMG Guidelines, 2015. Collection method: research. Allele origin: germline.

NM_000260.4(MYO7A):c.1820C>T (p.Ser607Leu)

Gene: MYO7A (myosin VIIA; plus strand). Cytogenetic location: 11q13.5.
Variant type: single nucleotide variant.
Coding change: c.1820C>T on transcript NM_000260.4 (MANE Select); coding-DNA position 1820, C replaced by T.
Protein change: p.Ser607Leu; replaces serine 607 with leucine.
Molecular consequence: missense variant.
Genome position (GRCh38, 1-based): chr11:77,172,770, C>T. VCF-style: chr11-77172770-C-T. GRCh37 (hg19) VCF-style: chr11-76883816-C-T.
Other names: c.1820C>T (NM_000260.3); c.1820C>T, p.Ser607Leu (NM_001127180.2); c.1787C>T, p.Ser596Leu (NM_001369365.1); short protein forms S596L, S607L.
Identifiers: ClinVar variation 1982954 (VCV001982954.6), dbSNP rs782598897, ClinGen allele CA6197623.